The following is an entry in ClinVar:

NM_000135.4(FANCA):c.2130A>T (p.Arg710Ser)

Gene: FANCA (FA complementation group A; minus strand). Cytogenetic location: 16q24.3.
Variant type: single nucleotide variant.
Coding change: c.2130A>T on transcript NM_000135.4 (MANE Select); coding-DNA position 2130, A replaced by T.
Protein change: p.Arg710Ser; replaces arginine 710 with serine.
Molecular consequence: missense variant.
Genome position (GRCh38, 1-based): chr16:89,771,699, T>A on the plus strand (A>T on the coding strand, the complement: FANCA is on the minus strand). VCF-style: chr16-89771699-T-A. GRCh37 (hg19) VCF-style: chr16-89838107-T-A.
Other names: c.2130A>T, p.Arg710Ser (NM_001286167.3); c.2130A>T (NM_000135.2); short protein forms R710S.
Identifiers: ClinVar variation 1483513 (VCV001483513.6), dbSNP rs2143350061, ClinGen allele CA397447990.

ClinVar aggregate classification (germline): Uncertain significance. Review status: criteria provided, multiple submitters, no conflicts (2 of 4 stars). 2 submissions from 2 submitters: Uncertain significance (2). Last evaluated 2025-04-19.

Conditions:
Fanconi anemia (FA). Also called: Fanconi's anemia. Identifiers: Orphanet 84, MedGen C0015625, MeSH D005199, MONDO:0019391.
Inborn genetic diseases. Identifiers: MedGen C0950123, MeSH D030342.

Submissions (2):

Ambry Genetics
Classification: Uncertain significance for Inborn genetic diseases. Last evaluated: 2025-04-19. Review status: criteria provided, single submitter. Criteria: Ambry Variant Classification Scheme 2023. Collection method: clinical testing. Allele origin: germline.
Comment: The p.R710S variant (also known as c.2130A>T), located in coding exon 23 of the FANCA gene, results from an A to T substitution at nucleotide position 2130. The arginine at codon 710 is replaced by serine, an amino acid with dissimilar properties. This amino acid position is conserved. In addition, this alteration is predicted to be tolerated by in silico analysis. Based on the available evidence, the clinical significance of this variant remains unclear.

Labcorp Genetics (formerly Invitae), Labcorp
Classification: Uncertain significance for Fanconi anemia. Last evaluated: 2021-09-17. Review status: criteria provided, single submitter. Criteria: Invitae Variant Classification Sherloc (09022015). Collection method: clinical testing. Allele origin: germline.
Comment: This sequence change replaces arginine with serine at codon 710 of the FANCA protein (p.Arg710Ser). The arginine residue is weakly conserved and there is a moderate physicochemical difference between arginine and serine. This variant is not present in population databases (ExAC no frequency). This variant has not been reported in the literature in individuals with FANCA-related conditions. Algorithms developed to predict the effect of missense changes on protein structure and function (SIFT, PolyPhen-2, Align-GVGD) all suggest that this variant is likely to be tolerated, but these predictions have not been confirmed by published functional studies and their clinical significance is uncertain. In summary, the available evidence is currently insufficient to determine the role of this variant in disease. Therefore, it has been classified as a Variant of Uncertain Significance.